The following is an entry in ClinVar:

NM_001128840.3(CACNA1D):c.2721C>T (p.Asp907=)

Gene: CACNA1D (calcium voltage-gated channel subunit alpha1 D; plus strand). Cytogenetic location: 3p21.1.
Variant type: single nucleotide variant.
Coding change: c.2721C>T on transcript NM_001128840.3 (MANE Select); coding-DNA position 2721, C replaced by T.
Protein change: p.Asp907=; no amino-acid change (aspartic acid 907 retained).
Molecular consequence: synonymous variant.
Genome position (GRCh38, 1-based): chr3:53,735,473, C>T. VCF-style: chr3-53735473-C-T. GRCh37 (hg19) VCF-style: chr3-53769500-C-T.
Other names: c.2781C>T, p.Asp927= (NM_000720.4); c.2721C>T, p.Asp907= (NM_001128839.3).
Identifiers: ClinVar variation 667075 (VCV000667075.35), dbSNP rs142208141, ClinGen allele CA2454326.
Genomic context (GRCh38, chr3:53,735,473, plus strand): 5'-CTTCACCAACCTCATCCTTGTCTTCATCATGCTGAGCAGCGCTGCCCTGGCCGCAGAGGA[C>T]CCCATCCGCAGCCACTCCTTCCGGAACACGGTAAGTCCCCAGGGTGGGGCTCGCTCTGGG-3'
Protein context (NP_001122312.1, residues 897-917): MLSSAALAAE[Asp907=]PIRSHSFRNT

ClinVar aggregate classification (germline): Likely benign. Review status: criteria provided, multiple submitters, no conflicts (2 of 4 stars). 3 submissions from 3 submitters: Likely benign (3). Last evaluated 2026-05-01.

Allele frequency attached by ClinVar (database versions not stated): ExAC 0.00002; gnomAD 0.00004; gnomAD exomes 0.00004; TOPMed 0.00004; ESP Exome Variant Server 0.00015.
gnomAD v4.1: 121 of 1,613,728 alleles (0.0075%); highest among the groups gnomAD compares: Non-Finnish European, 0.0094%; no homozygotes.

Submissions (3):

CeGaT Center for Human Genetics Tuebingen
Classification: Likely benign. Last evaluated: 2026-05-01. Review status: criteria provided, single submitter. Criteria: CeGaT Center For Human Genetics Tuebingen Variant Classification Criteria Version 2. Collection method: clinical testing. Allele origin: germline. Affected: yes. Observed: 3 variant alleles.
Comment: CACNA1D: BP4, BP7

Labcorp Genetics (formerly Invitae), Labcorp
Classification: Likely benign. Last evaluated: 2026-02-03. Review status: criteria provided, single submitter. Criteria: Invitae Variant Classification Sherloc (09022015). Collection method: clinical testing. Allele origin: germline.

Laboratory for Molecular Medicine, Mass General Brigham Personalized Medicine
Classification: Likely benign. Last evaluated: 2014-11-24. Review status: criteria provided, single submitter. Criteria: LMM Criteria. Collection method: clinical testing. Allele origin: germline. Observed: 1 variant allele.
Comment: Asp927Asp in exon 21 of CACNA1D: This variant is not expected to have clinical s ignificance because it does not alter an amino acid residue and is not located w ithin the splice consensus sequence. It has been identified in 2/8600 European A merican chromosomes from a broad population by the NHLBI Exome Sequencing Projec t (dbSNP rs142208141).